The following is an entry in ClinVar:

ClinVar aggregate classification (germline): Pathogenic/Likely pathogenic. Review status: criteria provided, multiple submitters, no conflicts (2 of 4 stars). 2 submissions from 2 submitters: Pathogenic (1); Likely pathogenic (1). Last evaluated 2024-03-21.

Conditions:
Torsion dystonia 6 (DYT6). Also called: DYT-THAP1. Identifiers: Orphanet 98806, MedGen C1414216, MONDO:0011264, OMIM 602629.

Submissions (2):

GeneDx
Classification: Likely pathogenic. Last evaluated: 2024-03-21. Review status: criteria provided, single submitter. Criteria: GeneDx Variant Classification Process June 2021. Collection method: clinical testing. Allele origin: germline. Affected: yes.
Comment: Nonsense variant predicted to result in protein truncation, as the last 84 amino acids are lost, and other loss-of-function variants have been reported downstream in HGMD; Not observed at significant frequency in large population cohorts (gnomAD); Has not been previously published as pathogenic or benign to our knowledge

Labcorp Genetics (formerly Invitae), Labcorp
Classification: Pathogenic for Torsion dystonia 6. Last evaluated: 2022-12-09. Review status: criteria provided, single submitter. Criteria: Invitae Variant Classification Sherloc (09022015). Collection method: clinical testing. Allele origin: germline.
Comment: This sequence change creates a premature translational stop signal (p.Ser130*) in the THAP1 gene. While this is not anticipated to result in nonsense mediated decay, it is expected to disrupt the last 84 amino acid(s) of the THAP1 protein. For these reasons, this variant has been classified as Pathogenic. This variant disrupts a region of the THAP1 protein in which other variant(s) (p.Arg169*) have been determined to be pathogenic (Invitae). This suggests that this is a clinically significant region of the protein, and that variants that disrupt it are likely to be disease-causing. This variant has not been reported in the literature in individuals affected with THAP1-related conditions. This variant is not present in population databases (gnomAD no frequency).

NM_018105.3(THAP1):c.389C>G (p.Ser130Ter)

Gene: THAP1 (THAP domain containing 1; minus strand). Cytogenetic location: 8p11.21.
Variant type: single nucleotide variant.
Coding change: c.389C>G on transcript NM_018105.3 (MANE Select); coding-DNA position 389, C replaced by G.
Protein change: p.Ser130Ter; replaces serine 130 with a stop codon.
Molecular consequence: nonsense. On other transcripts: 3 prime UTR variant (1).
Genome position (GRCh38, 1-based): chr8:42,838,215, G>C on the plus strand (C>G on the coding strand, the complement: THAP1 is on the minus strand). VCF-style: chr8-42838215-G-C. GRCh37 (hg19) VCF-style: chr8-42693358-G-C.
Other names: c.389C>G (NM_018105.2); c.*31C>G (NM_199003.2); short protein forms S130*.
Identifiers: ClinVar variation 2815851 (VCV002815851.4), dbSNP rs2487027092, ClinGen allele CA371107164.